The following is an entry in ClinVar:

NM_000083.3(CLCN1):c.702del (p.Phe235fs)

Gene: CLCN1 (chloride voltage-gated channel 1; plus strand). Cytogenetic location: 7q34.
Variant type: Deletion.
Coding change: c.702del on transcript NM_000083.3 (MANE Select); coding-DNA position 702, one base deleted (C; older notation c.702delC).
Protein change: p.Phe235fs; shifts the reading frame from phenylalanine 235.
Molecular consequence: frameshift variant. On other transcripts: non-coding transcript variant (1).
Genome position (GRCh38, 1-based): chr7:143,323,314, C deleted; the last of 4 consecutive C bases (chr7:143,323,311-143,323,314); deleting any one gives the same sequence. VCF-style (leftmost placement, unchanged base first): chr7-143323310-GC-G. GRCh37 (hg19) VCF-style: chr7-143020403-GC-G.
Other names: short protein forms F235fs.
Identifiers: ClinVar variation 3594418 (VCV003594418.3).

ClinVar aggregate classification (germline): Pathogenic/Likely pathogenic. Review status: criteria provided, multiple submitters, no conflicts (2 of 4 stars). 2 submissions from 2 submitters: Pathogenic (1); Likely pathogenic (1). Last evaluated 2024-05-23.

Conditions:
Congenital myotonia, autosomal recessive form. Also called: Becker Generalized Myotonia; myotonia congenita, autosomal recessive; BECKER DISEASE. Identifiers: Orphanet 614, MedGen C0751360, MONDO:0009715, OMIM 255700.
Congenital myotonia, autosomal dominant form (THD). Also called: THOMSEN DISEASE; Myotonia congenita autosomal dominant. Identifiers: Orphanet 614, MedGen C2936781, MONDO:0008055, OMIM 160800.

Submissions (2):

Fulgent Genetics
Classification: Likely pathogenic for Congenital myotonia, autosomal dominant form; Congenital myotonia, autosomal recessive form. Last evaluated: 2024-05-23. Review status: criteria provided, single submitter. Criteria: ACMG Guidelines, 2015. Collection method: clinical testing. Allele origin: germline.

Labcorp Genetics (formerly Invitae), Labcorp
Classification: Pathogenic for Congenital myotonia, autosomal recessive form; Congenital myotonia, autosomal dominant form. Last evaluated: 2024-02-02. Review status: criteria provided, single submitter. Criteria: Invitae Variant Classification Sherloc (09022015). Collection method: clinical testing. Allele origin: germline.
Comment: This sequence change creates a premature translational stop signal (p.Phe235Serfs*33) in the CLCN1 gene. It is expected to result in an absent or disrupted protein product. Loss-of-function variants in CLCN1 are known to be pathogenic (PMID: 17932099, 22094069, 23739125). This variant is not present in population databases (gnomAD no frequency). This variant has not been reported in the literature in individuals affected with CLCN1-related conditions. For these reasons, this variant has been classified as Pathogenic.

Literature cited by the submitters: PubMed 17932099 (cited by Labcorp Genetics (formerly Invitae), Labcorp); PubMed 22094069 (cited by Labcorp Genetics (formerly Invitae), Labcorp); PubMed 23739125 (cited by Labcorp Genetics (formerly Invitae), Labcorp).